The following is an entry in ClinVar:

ClinVar aggregate classification (germline): Uncertain significance (1 of 4 stars; one submission).

Conditions:
Emery-Dreifuss muscular dystrophy 4, autosomal dominant (EDMD4). Also called: EMERY-DREIFUSS MUSCULAR DYSTROPHY 4 WITH VARIABLE FEATURES. Identifiers: Orphanet 261, MedGen C2751807, MONDO:0013071, OMIM 612998.
Autosomal recessive ataxia, Beauce type. Also called: Spinocerebellar ataxia, autosomal recessive 8; ATAXIA, RECESSIVE, OF BEAUCE; SYNE1-Related Autosomal Recessive Cerebellar Ataxia; SYNE1 Deficiency. Identifiers: Orphanet 88644, MedGen C1853116, MONDO:0012549, OMIM 610743.

Submission:

Labcorp Genetics (formerly Invitae), Labcorp
Classification: Uncertain significance for Emery-Dreifuss muscular dystrophy 4, autosomal dominant; Autosomal recessive ataxia, Beauce type. Last evaluated: 2024-05-27. Review status: criteria provided, single submitter. Criteria: Invitae Variant Classification Sherloc (09022015). Collection method: clinical testing. Allele origin: germline.
Comment: This sequence change replaces leucine, which is neutral and non-polar, with proline, which is neutral and non-polar, at codon 7809 of the SYNE1 protein (p.Leu7809Pro). This variant is not present in population databases (gnomAD no frequency). This variant has not been reported in the literature in individuals affected with SYNE1-related conditions. An algorithm developed to predict the effect of missense changes on protein structure and function (PolyPhen-2) suggests that this variant is likely to be disruptive. In summary, the available evidence is currently insufficient to determine the role of this variant in disease. Therefore, it has been classified as a Variant of Uncertain Significance.

NM_182961.4(SYNE1):c.23639T>C (p.Leu7880Pro)

Gene: SYNE1 (spectrin repeat containing nuclear envelope protein 1; minus strand). Cytogenetic location: 6q25.2.
Variant type: single nucleotide variant.
Coding change: c.23639T>C on transcript NM_182961.4 (MANE Select); coding-DNA position 23639, T replaced by C.
Protein change: p.Leu7880Pro; replaces leucine 7880 with proline.
Molecular consequence: missense variant.
Genome position (GRCh38, 1-based): chr6:152,164,314, A>G on the plus strand (T>C on the coding strand, the complement: SYNE1 is on the minus strand). VCF-style: chr6-152164314-A-G. GRCh37 (hg19) VCF-style: chr6-152485449-A-G.
Other names: c.245T>C, p.Leu82Pro (NM_001347701.2); c.104T>C, p.Leu35Pro (NM_001347702.2); c.23426T>C, p.Leu7809Pro (NM_033071.5); short protein forms L35P, L7809P, L7880P, L82P.
Identifiers: ClinVar variation 3754617 (VCV003754617.2).